The following is an entry in ClinVar:

ClinVar aggregate classification (germline): Uncertain significance (1 of 4 stars; one submission).

Conditions:
Inborn genetic diseases. Identifiers: MedGen C0950123, MeSH D030342.

Allele frequency attached by ClinVar (database versions not stated): gnomAD 0.00001; ExAC 0.00002.
gnomAD v4.1: 1 of 1,614,034 alleles (0.000062%); highest among the groups gnomAD compares: East Asian, 0.0022%; no homozygotes.

Submission:

Ambry Genetics
Classification: Uncertain significance for Inborn genetic diseases. Last evaluated: 2022-01-26. Review status: criteria provided, single submitter. Criteria: Ambry Variant Classification Scheme 2023. Collection method: clinical testing. Allele origin: germline.
Comment: The p.S280L variant (also known as c.839C>T), located in coding exon 8 of the MDH2 gene, results from a C to T substitution at nucleotide position 839. The serine at codon 280 is replaced by leucine, an amino acid with dissimilar properties. This amino acid position is conserved. In addition, this alteration is predicted to be deleterious by in silico analysis. Since supporting evidence is limited at this time, the clinical significance of this alteration remains unclear.

NM_005918.4(MDH2):c.839C>T (p.Ser280Leu)

Gene: MDH2 (malate dehydrogenase 2; plus strand). Cytogenetic location: 7q11.23.
Variant type: single nucleotide variant.
Coding change: c.839C>T on transcript NM_005918.4 (MANE Select); coding-DNA position 839, C replaced by T.
Protein change: p.Ser280Leu; replaces serine 280 with leucine.
Molecular consequence: missense variant.
Genome position (GRCh38, 1-based): chr7:76,064,907, C>T. VCF-style: chr7-76064907-C-T. GRCh37 (hg19) VCF-style: chr7-75694225-C-T.
Other names: c.713C>T, p.Ser238Leu (NM_001282403.2); c.518C>T, p.Ser173Leu (NM_001282404.2); short protein forms S280L, S173L, S238L.
Identifiers: ClinVar variation 1763219 (VCV001763219.2), dbSNP rs781961063, ClinGen allele CA4305724.